The following is an entry in ClinVar:

NM_004990.4(MARS1):c.134G>A (p.Arg45Gln)

Gene: MARS1 (methionyl-tRNA synthetase 1; plus strand). Cytogenetic location: 12q13.3.
Variant type: single nucleotide variant.
Coding change: c.134G>A on transcript NM_004990.4 (MANE Select); coding-DNA position 134, G replaced by A.
Protein change: p.Arg45Gln; replaces arginine 45 with glutamine.
Molecular consequence: missense variant.
Genome position (GRCh38, 1-based): chr12:57,489,043, G>A. VCF-style: chr12-57489043-G-A. GRCh37 (hg19) VCF-style: chr12-57882826-G-A.
Other names: short protein forms R45Q.
Identifiers: ClinVar variation 1800105 (VCV001800105.2), dbSNP rs759567193, ClinGen allele CA6650052.

ClinVar aggregate classification (germline): Uncertain significance (1 of 4 stars; one submission).

Allele frequency attached by ClinVar (database versions not stated): gnomAD exomes below 0.00001; ExAC 0.00001.
gnomAD v4.1: 4 of 1,613,136 alleles (0.00025%); highest among the groups gnomAD compares: African/African-American, 0.0013%; no homozygotes.

Submission:

Ambry Genetics
Classification: Uncertain significance. Last evaluated: 2022-08-08. Review status: criteria provided, single submitter. Criteria: Ambry Variant Classification Scheme 2023. Collection method: clinical testing. Allele origin: germline.
Comment: The p.R45Q variant (also known as c.134G>A), located in coding exon 2 of the MARS gene, results from a G to A substitution at nucleotide position 134. The arginine at codon 45 is replaced by glutamine, an amino acid with highly similar properties. This amino acid position is conserved. In addition, this alteration is predicted to be tolerated by in silico analysis. Since supporting evidence is limited at this time, the clinical significance of this alteration remains unclear.